The following is an entry in ClinVar:

ClinVar aggregate classification (germline): Likely benign (1 of 4 stars; one submission).

Conditions:
Classic or attenuated familial adenomatous polyposis. Identifiers: MedGen CN372698, MONDO:0021057.

Submission:

All of Us Research Program, National Institutes of Health
Classification: Likely benign for Classic or attenuated familial adenomatous polyposis. Last evaluated: 2023-08-15. Review status: criteria provided, single submitter. Criteria: ACMG Guidelines, 2015. Collection method: clinical testing. Allele origin: germline. Inheritance: Autosomal dominant inheritance. Observed: 1 variant allele, 1 heterozygote.
Comment: This study involves interpretation of variants in research participants for the purpose of population health screening. Participant phenotype was not available at the time of variant classification. Additional details can be found in publication PMID: 35346344, PMCID: PMC8962531

NM_000038.6(APC):c.267A>C (p.Ser89=)

Gene: APC (APC regulator of WNT signaling pathway; plus strand). Cytogenetic location: 5q22.2.
Variant type: single nucleotide variant.
Coding change: c.267A>C on transcript NM_000038.6 (MANE Select); coding-DNA position 267, A replaced by C.
Protein change: p.Ser89=; no amino-acid change (serine 89 retained).
Molecular consequence: synonymous variant. On other transcripts: 5 prime UTR variant (4), non-coding transcript variant (2).
Genome position (GRCh38, 1-based): chr5:112,767,235, A>C. VCF-style: chr5-112767235-A-C. GRCh37 (hg19) VCF-style: chr5-112102932-A-C.
Other names: c.267A>C, p.Ser89= (NM_001127510.3, NM_001354895.2, NM_001354896.2 and 16 more transcripts); c.297A>C, p.Ser99= (NM_001127511.3, NM_001354897.2, NM_001354902.2 and 1 more transcripts); c.192A>C, p.Ser64= (NM_001354898.2, NM_001354904.2, NM_001407451.1); c.90A>C, p.Ser30= (NM_001354900.2, NM_001354901.2, NM_001354905.2 and 1 more transcripts); c.-769A>C (NM_001354906.2, NM_001407470.1, NM_001407471.1 and 1 more transcripts).
Identifiers: ClinVar variation 3073027 (VCV003073027.1), dbSNP rs2532292490, ClinGen allele CA445753178.